The following is an entry in ClinVar:

ClinVar aggregate classification (germline): Uncertain significance (0 of 4 stars; one submission).

Conditions:
BMP7-related disorder. Also called: BMP7-related condition.

Submission:

PreventionGenetics, part of Exact Sciences
Classification: Uncertain significance for BMP7-related condition. Last evaluated: 2024-07-23. Review status: no assertion criteria provided. Collection method: clinical testing. Allele origin: germline.
Comment: The BMP7 c.85G>T variant is predicted to result in the amino acid substitution p.Ala29Ser. To our knowledge, this variant has not been reported in the literature or in a large population database, indicating this variant is rare. At this time, the clinical significance of this variant is uncertain due to the absence of conclusive functional and genetic evidence.

NM_001719.3(BMP7):c.85G>T (p.Ala29Ser)

Gene: BMP7 (bone morphogenetic protein 7; minus strand). Cytogenetic location: 20q13.31.
Variant type: single nucleotide variant.
Coding change: c.85G>T on transcript NM_001719.3 (MANE Select); coding-DNA position 85, G replaced by T.
Protein change: p.Ala29Ser; replaces alanine 29 with serine.
Molecular consequence: missense variant.
Genome position (GRCh38, 1-based): chr20:57,266,038, C>A on the plus strand (G>T on the coding strand, the complement: BMP7 is on the minus strand). VCF-style: chr20-57266038-C-A. GRCh37 (hg19) VCF-style: chr20-55841094-C-A.
Other names: short protein forms A29S.
Identifiers: ClinVar variation 3346799 (VCV003346799.1).